The following is an entry in ClinVar:

NM_000038.6(APC):c.8098A>T (p.Asn2700Tyr)

Gene: APC (APC regulator of Wnt signaling pathway; plus strand). Cytogenetic location: 5q22.2.
Variant type: single nucleotide variant.
Coding change: c.8098A>T on transcript NM_000038.6 (MANE Select); coding-DNA position 8098, A replaced by T.
Protein change: p.Asn2700Tyr; replaces asparagine 2700 with tyrosine.
Molecular consequence: missense variant.
Genome position (GRCh38, 1-based): chr5:112,843,692, A>T. VCF-style: chr5-112843692-A-T. GRCh37 (hg19) VCF-style: chr5-112179389-A-T.
Other names: c.8098A>T, p.Asn2700Tyr (NM_001127510.3, NM_001354895.2); c.8044A>T, p.Asn2682Tyr (NM_001127511.3); c.8152A>T, p.Asn2718Tyr (NM_001354896.2); c.8128A>T, p.Asn2710Tyr (NM_001354897.2); c.8023A>T, p.Asn2675Tyr (NM_001354898.2); c.8014A>T, p.Asn2672Tyr (NM_001354899.2); c.7975A>T, p.Asn2659Tyr (NM_001354900.2); c.7921A>T, p.Asn2641Tyr (NM_001354901.2); and 5 more; short protein forms N2540Y, N2574Y, N2659Y, N2672Y, N2718Y, N2599Y, N2675Y, N2682Y.
Identifiers: ClinVar variation 845294 (VCV000845294.15), dbSNP rs1485583302, ClinGen allele CA16038918.

ClinVar aggregate classification (germline): Uncertain significance. Review status: criteria provided, multiple submitters, no conflicts (2 of 4 stars). 2 submissions from 2 submitters: Uncertain significance (2). Last evaluated 2025-08-28.

Conditions:
Familial adenomatous polyposis 1 (FAP1). Also called: FAMILIAL ADENOMATOUS POLYPOSIS 1, ATTENUATED; POLYPOSIS, ADENOMATOUS INTESTINAL. Identifiers: MedGen C2713442, MONDO:0021056, OMIM 175100. Disease mechanism: loss of function.
Hereditary cancer-predisposing syndrome. Also called: Tumor predisposition; Hereditary neoplastic syndrome; Neoplastic Syndromes, Hereditary; Hereditary Cancer Syndrome. Identifiers: Orphanet 140162, MedGen C0027672, MeSH D009386, MONDO:0015356.

Allele frequency attached by ClinVar (database versions not stated): TOPMed below 0.00001.

Submissions (2):

Ambry Genetics
Classification: Uncertain significance for Hereditary cancer-predisposing syndrome. Last evaluated: 2025-08-28. Review status: criteria provided, single submitter. Criteria: Ambry Variant Classification Scheme 2023. Collection method: clinical testing. Allele origin: germline.
Comment: The p.N2700Y variant (also known as c.8098A>T), located in coding exon 15 of the APC gene, results from an A to T substitution at nucleotide position 8098. The asparagine at codon 2700 is replaced by tyrosine, an amino acid with dissimilar properties. This amino acid position is not well conserved in available vertebrate species. In addition, in silico predictors for this gene do not accurately predict pathogenicity. Missense alterations in APC are not a common cause of disease (Spier I et al. Genet Med. 2024 Feb;26(2):100992). Based on the available evidence, the clinical significance of this variant remains unclear.

Labcorp Genetics (formerly Invitae), Labcorp
Classification: Uncertain significance for Familial adenomatous polyposis 1. Last evaluated: 2024-08-28. Review status: criteria provided, single submitter. Criteria: Invitae Variant Classification Sherloc (09022015). Collection method: clinical testing. Allele origin: germline.
Comment: This sequence change replaces asparagine, which is neutral and polar, with tyrosine, which is neutral and polar, at codon 2700 of the APC protein (p.Asn2700Tyr). This variant is not present in population databases (gnomAD no frequency). This variant has not been reported in the literature in individuals affected with APC-related conditions. ClinVar contains an entry for this variant (Variation ID: 845294). Invitae Evidence Modeling of protein sequence and biophysical properties (such as structural, functional, and spatial information, amino acid conservation, physicochemical variation, residue mobility, and thermodynamic stability) indicates that this missense variant is not expected to disrupt APC protein function with a negative predictive value of 95%. In summary, the available evidence is currently insufficient to determine the role of this variant in disease. Therefore, it has been classified as a Variant of Uncertain Significance.